The following is an entry in ClinVar:

NM_000393.5(COL5A2):c.454C>A (p.Pro152Thr)

Gene: COL5A2 (collagen type V alpha 2 chain; minus strand). Cytogenetic location: 2q32.2.
Variant type: single nucleotide variant.
Coding change: c.454C>A on transcript NM_000393.5 (MANE Select); coding-DNA position 454, C replaced by A.
Protein change: p.Pro152Thr; replaces proline 152 with threonine.
Molecular consequence: missense variant.
Genome position (GRCh38, 1-based): chr2:189,097,279, G>T on the plus strand (C>A on the coding strand, the complement: COL5A2 is on the minus strand). VCF-style: chr2-189097279-G-T. GRCh37 (hg19) VCF-style: chr2-189962005-G-T.
Other names: short protein forms P152T.
Identifiers: ClinVar variation 519678 (VCV000519678.5), dbSNP rs1553518198, ClinGen allele CA349862662.

ClinVar aggregate classification (germline): Uncertain significance (1 of 4 stars; one submission).

Conditions:
Familial thoracic aortic aneurysm and aortic dissection (TAAD). Also called: Thoracic aortic aneurysms and dissections. Identifiers: Orphanet 91387, MedGen C4707243, MONDO:0019625.

Allele frequency attached by ClinVar (database versions not stated): TOPMed 0.00001.

Submission:

Ambry Genetics
Classification: Uncertain significance for Familial thoracic aortic aneurysm and aortic dissection. Last evaluated: 2016-07-28. Review status: criteria provided, single submitter. Criteria: Ambry Variant Classification Scheme 2023. Collection method: clinical testing. Allele origin: germline.
Comment: The p.P152T variant (also known as c.454C>A), located in coding exon 6 of the COL5A2 gene, results from a C to A substitution at nucleotide position 454. The proline at codon 152 is replaced by threonine, an amino acid with highly similar properties. This variant was not reported in population based cohorts in the following databases: Database of Single Nucleotide Polymorphisms (dbSNP), NHLBI Exome Sequencing Project (ESP), and 1000 Genomes Project. In the ESP, this variant was not observed in 6503 samples (13006 alleles) with coverage at this position. This amino acid position is highly conserved in available vertebrate species. In addition, the in silico prediction for this alteration is inconclusive. Since supporting evidence is limited at this time, the clinical significance of this alteration remains unclear.